The following is an entry in ClinVar:

NM_001036.6(RYR3):c.11060T>C (p.Met3687Thr)

Gene: RYR3 (ryanodine receptor 3; plus strand). Cytogenetic location: 15q14.
Variant type: single nucleotide variant.
Coding change: c.11060T>C on transcript NM_001036.6 (MANE Select); coding-DNA position 11060, T replaced by C.
Protein change: p.Met3687Thr; replaces methionine 3687 with threonine.
Molecular consequence: missense variant.
Genome position (GRCh38, 1-based): chr15:33,823,060, T>C. VCF-style: chr15-33823060-T-C. GRCh37 (hg19) VCF-style: chr15-34115261-T-C.
Other names: c.11045T>C, p.Met3682Thr (NM_001243996.4); short protein forms M3687T, M3682T.
Identifiers: ClinVar variation 530986 (VCV000530986.8), dbSNP rs199931215, ClinGen allele CA7461098.

ClinVar aggregate classification (germline): Uncertain significance (1 of 4 stars; one submission).

Conditions:
Epileptic encephalopathy. Identifiers: MedGen C0543888, HP:0200134.

Allele frequency attached by ClinVar (database versions not stated): TOPMed below 0.00001; ExAC 0.00001; gnomAD 0.00001; gnomAD exomes 0.00001; 1000 Genomes Project 0.00020; 1000 Genomes Project 30x 0.00031.
gnomAD v4.1: 9 of 1,613,222 alleles (0.00056%); highest among the groups gnomAD compares: Admixed American, 0.0017%; no homozygotes.

Submission:

Labcorp Genetics (formerly Invitae), Labcorp
Classification: Uncertain significance for Epileptic encephalopathy. Last evaluated: 2022-06-04. Review status: criteria provided, single submitter. Criteria: Invitae Variant Classification Sherloc (09022015). Collection method: clinical testing. Allele origin: germline.
Comment: This sequence change replaces methionine, which is neutral and non-polar, with threonine, which is neutral and polar, at codon 3687 of the RYR3 protein (p.Met3687Thr). This variant is present in population databases (rs199931215, gnomAD 0.007%). This variant has not been reported in the literature in individuals affected with RYR3-related conditions. ClinVar contains an entry for this variant (Variation ID: 530986). Algorithms developed to predict the effect of missense changes on protein structure and function are either unavailable or do not agree on the potential impact of this missense change (SIFT: "Deleterious"; PolyPhen-2: "Possibly Damaging"; Align-GVGD: "Class C0"). In summary, the available evidence is currently insufficient to determine the role of this variant in disease. Therefore, it has been classified as a Variant of Uncertain Significance.